The following is an entry in ClinVar:

NM_001101426.4(CRPPA):c.1059G>A (p.Lys353=)

Genes: CRPPA (CDP-L-ribitol pyrophosphorylase A; minus strand), CRPPA-AS1 (CRPPA antisense RNA 1; plus strand). Cytogenetic location: 7p21.2.
Variant type: single nucleotide variant.
Coding change: c.1059G>A on transcript NM_001101426.4 (MANE Select); coding-DNA position 1059, G replaced by A.
Protein change: p.Lys353=; no amino-acid change (lysine 353 retained).
Molecular consequence: synonymous variant. On other transcripts: non-coding transcript variant (1).
Genome position (GRCh38, 1-based): chr7:16,258,450, C>T on the plus strand (G>A on the coding strand, the complement: CRPPA is on the minus strand). VCF-style: chr7-16258450-C-T. GRCh37 (hg19) VCF-style: chr7-16298075-C-T.
Other names: p.Lys353=; c.909G>A, p.Lys303= (NM_001101417.4); c.954G>A, p.Lys318= (NM_001368197.1).
Identifiers: ClinVar variation 198765 (VCV000198765.65), dbSNP rs181099904, ClinGen allele CA247575.

ClinVar aggregate classification (germline): Conflicting classifications of pathogenicity. Review status: criteria provided, conflicting classifications (1 of 4 stars). 11 submissions from 11 submitters: Uncertain significance (1); Benign (3); Likely benign (5). 2 of the submissions do not count toward it. Last evaluated 2026-09-01.

Conditions:
Congenital Muscular Dystrophy, alpha-dystroglycan related.
Muscular dystrophy-dystroglycanopathy (congenital with brain and eye anomalies), type A, 7. Also called: WALKER-WARBURG SYNDROME OR MUSCLE-EYE-BRAIN DISEASE, ISPD-RELATED; Congenital muscular dystrophy-dystroglycanopathy with brain and eye anomalies, type A7. Identifiers: Orphanet 899, MedGen C3553330, MONDO:0013835, OMIM 614643.
Autosomal recessive limb-girdle muscular dystrophy type 2U. Also called: MUSCULAR DYSTROPHY, LIMB-GIRDLE, TYPE 2U; Muscular dystrophy-dystroglycanopathy (limb-girdle), type c, 7. Identifiers: Orphanet 352479, MedGen C5190987, MONDO:0014474, OMIM 616052.

Allele frequency attached by ClinVar (database versions not stated): 1000 Genomes Project 30x 0.00016; 1000 Genomes Project 0.00020; gnomAD 0.00127 and 0.00151; gnomAD exomes 0.00136; TOPMed 0.00139; ESP Exome Variant Server 0.00187; ExAC 0.00256.
gnomAD v4.1: 3,772 of 1,604,880 alleles (0.24%); highest among the groups gnomAD compares: Non-Finnish European, 0.3%; 9 homozygotes.

Submissions (11):

CeGaT Center for Human Genetics Tuebingen
Classification: Likely benign. Last evaluated: 2026-09-01. Review status: criteria provided, single submitter. Criteria: CeGaT Center For Human Genetics Tuebingen Variant Classification Criteria Version 2. Collection method: clinical testing. Allele origin: germline. Affected: yes. Observed: 9 variant alleles.
Comment: CRPPA: BP4, BP7

Labcorp Genetics (formerly Invitae), Labcorp
Classification: Benign for Muscular dystrophy-dystroglycanopathy (congenital with brain and eye anomalies), type A, 7; Autosomal recessive limb-girdle muscular dystrophy type 2U. Last evaluated: 2026-02-01. Review status: criteria provided, single submitter. Criteria: Invitae Variant Classification Sherloc (09022015). Collection method: clinical testing. Allele origin: germline.

Blueprint Genetics
Classification: Likely benign. Last evaluated: 2024-11-27. Review status: criteria provided, single submitter. Criteria: ACMG Guidelines, 2015. Collection method: clinical testing. Allele origin: germline.

Mayo Clinic Laboratories, Mayo Clinic
Classification: Benign. Last evaluated: 2023-12-08. Review status: criteria provided, single submitter. Criteria: ACMG Guidelines, 2015. Collection method: clinical testing. Allele origin: germline. Observed: 2 variant alleles.
Comment: BS1, BS2, BP4, BP7

GeneDx
Classification: Likely benign. Last evaluated: 2021-05-18. Review status: criteria provided, single submitter. Criteria: GeneDx Variant Classification Process June 2021. Collection method: clinical testing. Allele origin: germline. Affected: yes.

Athena Diagnostics
Classification: Benign. Last evaluated: 2020-03-17. Review status: criteria provided, single submitter. Criteria: Athena Diagnostics Criteria. Collection method: clinical testing. Allele origin: unknown.

Illumina Laboratory Services, Illumina
Classification: Uncertain significance for Congenital Muscular Dystrophy, alpha-dystroglycan related. Last evaluated: 2018-01-13. Review status: criteria provided, single submitter. Criteria: ICSL Variant Classification Criteria 13 December 2019. Collection method: clinical testing. Allele origin: germline.

Eurofins Ntd Llc (ga)
Classification: Likely benign. Last evaluated: 2016-06-23. Review status: criteria provided, single submitter. Criteria: EGL Classification Definitions 2015. Collection method: clinical testing. Allele origin: germline. Observed: 12 variant alleles, 12 heterozygotes.

PreventionGenetics, part of Exact Sciences
Classification: Likely benign. Review status: criteria provided, single submitter. Criteria: ACMG Guidelines, 2015. Collection method: clinical testing. Allele origin: germline.

Clinical Genetics DNA and cytogenetics Diagnostics Lab, Erasmus MC, Erasmus Medical Center
Classification: Likely benign. Review status: no assertion criteria provided. Collection method: clinical testing. Allele origin: germline. Affected: yes. Study: VKGL Data-share Consensus. Not counted in ClinVar's aggregate classification.

Genome Diagnostics Laboratory, University Medical Center Utrecht
Classification: Likely benign. Review status: no assertion criteria provided. Collection method: clinical testing. Allele origin: germline. Affected: yes. Study: VKGL Data-share Consensus. Not counted in ClinVar's aggregate classification.